The following is an entry in ClinVar:

NM_000540.3(RYR1):c.6138A>G (p.Leu2046=)

Gene: RYR1 (ryanodine receptor 1; plus strand). Cytogenetic location: 19q13.2.
Variant type: single nucleotide variant.
Coding change: c.6138A>G on transcript NM_000540.3 (MANE Select); coding-DNA position 6138, A replaced by G.
Protein change: p.Leu2046=; no amino-acid change (leucine 2046 retained).
Molecular consequence: synonymous variant.
Genome position (GRCh38, 1-based): chr19:38,492,500, A>G. VCF-style: chr19-38492500-A-G. GRCh37 (hg19) VCF-style: chr19-38983140-A-G.
Other names: c.6138A>G, p.Leu2046= (NM_001042723.2).
Identifiers: ClinVar variation 668168 (VCV000668168.36), dbSNP rs551228795, ClinGen allele CA067813.

ClinVar aggregate classification (germline): Benign/Likely benign. Review status: criteria provided, multiple submitters, no conflicts (2 of 4 stars). 6 submissions from 6 submitters: Benign (1); Likely benign (4). 1 of the submissions does not count toward it. Last evaluated 2026-09-01.

Conditions:
Malignant hyperthermia, susceptibility to, 1 (MHS1). Also called: Malignant hyperthermia suceptibility 1; RYR1-Related Malignant Hyperthermia Susceptibility; Anesthesia related hyperthermia; Malignant hyperpyrexia; Fulminating hyperpyrexia; Pharmacogenic myopathy. Identifiers: Orphanet 423, MedGen C2930980, MONDO:0007783, OMIM 145600.
RYR1-related disorder. Also called: RYR1-related disorders; RYR1-related condition. Identifiers: MedGen CN239331.

Allele frequency attached by ClinVar (database versions not stated): gnomAD below 0.00001 and 0.00007; TOPMed 0.00001; gnomAD exomes 0.00016 and 0.00034; ExAC 0.00037; 1000 Genomes Project 30x 0.00062; 1000 Genomes Project 0.00080.
gnomAD v4.1: 251 of 1,614,160 alleles (0.016%); highest among the groups gnomAD compares: South Asian, 0.24%; 3 homozygotes.

Submissions (6):

CeGaT Center for Human Genetics Tuebingen
Classification: Likely benign. Last evaluated: 2026-09-01. Review status: criteria provided, single submitter. Criteria: CeGaT Center For Human Genetics Tuebingen Variant Classification Criteria Version 2. Collection method: clinical testing. Allele origin: germline. Affected: yes. Observed: 3 variant alleles.
Comment: RYR1: BP4, BS2

Labcorp Genetics (formerly Invitae), Labcorp
Classification: Benign for RYR1-related disorder. Last evaluated: 2025-12-14. Review status: criteria provided, single submitter. Criteria: Invitae Variant Classification Sherloc (09022015). Collection method: clinical testing. Allele origin: germline.

Blueprint Genetics
Classification: Likely benign. Last evaluated: 2024-11-27. Review status: criteria provided, single submitter. Criteria: ACMG Guidelines, 2015. Collection method: clinical testing. Allele origin: germline.

Color Diagnostics, LLC DBA Color Health
Classification: Likely benign for Malignant hyperthermia, susceptibility to, 1. Last evaluated: 2022-11-06. Review status: criteria provided, single submitter. Criteria: ACMG Guidelines, 2015. Collection method: clinical testing. Allele origin: germline.

GeneDx
Classification: Likely benign. Last evaluated: 2018-05-11. Review status: criteria provided, single submitter. Criteria: GeneDx Variant Classification (06012015). Collection method: clinical testing. Allele origin: germline. Affected: yes.
Comment: This variant is considered likely benign or benign based on one or more of the following criteria: it is a conservative change, it occurs at a poorly conserved position in the protein, it is predicted to be benign by multiple in silico algorithms, and/or has population frequency not consistent with disease.

PreventionGenetics, part of Exact Sciences
Classification: Likely benign for RYR1-related condition. Last evaluated: 2024-05-21. Review status: no assertion criteria provided. Collection method: clinical testing. Allele origin: germline. Not counted in ClinVar's aggregate classification.
Comment: This variant is classified as likely benign based on ACMG/AMP sequence variant interpretation guidelines (Richards et al. 2015 PMID: 25741868, with internal and published modifications).